The following is an entry in ClinVar:

NM_003640.5(ELP1):c.2205-197C>T

Gene: ELP1 (elongator acetyltransferase complex subunit 1; minus strand). Cytogenetic location: 9q31.3.
Variant type: single nucleotide variant.
Coding change: c.2205-197C>T on transcript NM_003640.5 (MANE Select); 197 bases into the intron before coding-DNA position 2205, C replaced by T.
Molecular consequence: intron variant.
Genome position (GRCh38, 1-based): chr9:108,898,946, G>A on the plus strand (C>T on the coding strand, the complement: ELP1 is on the minus strand). VCF-style: chr9-108898946-G-A. GRCh37 (hg19) VCF-style: chr9-111661226-G-A.
Other names: c.1863-197C>T (NM_001318360.2); c.1158-197C>T (NM_001330749.2).
Identifiers: ClinVar variation 682028 (VCV000682028.1), dbSNP rs76493188, ClinGen allele CA197536185.

ClinVar aggregate classification (germline): Benign (1 of 4 stars; one submission).

Allele frequency attached by ClinVar (database versions not stated): 1000 Genomes Project 0.07847; 1000 Genomes Project 30x 0.08120; gnomAD 0.08631; TOPMed 0.08767.
gnomAD v4.1: 13,022 of 152,134 alleles (8.6%); highest among the groups gnomAD compares: African/African-American, 17%; 797 homozygotes.

Submission:

GeneDx
Classification: Benign. Last evaluated: 2018-06-14. Review status: criteria provided, single submitter. Criteria: GeneDx Variant Classification (06012015). Collection method: clinical testing. Allele origin: germline. Affected: yes.
Comment: This variant is considered likely benign or benign based on one or more of the following criteria: it is a conservative change, it occurs at a poorly conserved position in the protein, it is predicted to be benign by multiple in silico algorithms, and/or has population frequency not consistent with disease.